The following is an entry in ClinVar:

ClinVar aggregate classification (germline): Uncertain significance. Review status: criteria provided, multiple submitters, no conflicts (2 of 4 stars). 3 submissions from 3 submitters: Uncertain significance (3). Last evaluated 2024-09-04.

Conditions:
Congenital contractural arachnodactyly (CCA). Also called: BEALS SYNDROME; Beals-Hecht syndrome; Arthrogryposis, distal, type 9. Identifiers: Orphanet 115, MedGen C0220668, MONDO:0007363, OMIM 121050.
Familial thoracic aortic aneurysm and aortic dissection (TAAD). Also called: Thoracic aortic aneurysms and dissections. Identifiers: Orphanet 91387, MedGen C4707243, MONDO:0019625.

Allele frequency attached by ClinVar (database versions not stated): gnomAD exomes below 0.00001.
gnomAD v4.1: 1 of 1,613,444 alleles (0.000062%); highest among the groups gnomAD compares: Non-Finnish European, 0.000085%; no homozygotes.

Submissions (3):

Blueprint Genetics
Classification: Uncertain significance. Last evaluated: 2024-09-04. Review status: criteria provided, single submitter. Criteria: ACMG Guidelines, 2015. Collection method: clinical testing. Allele origin: germline.

Labcorp Genetics (formerly Invitae), Labcorp
Classification: Uncertain significance for Congenital contractural arachnodactyly. Last evaluated: 2024-02-29. Review status: criteria provided, single submitter. Criteria: Invitae Variant Classification Sherloc (09022015). Collection method: clinical testing. Allele origin: germline.
Comment: This sequence change replaces arginine, which is basic and polar, with glutamine, which is neutral and polar, at codon 590 of the FBN2 protein (p.Arg590Gln). This variant is not present in population databases (gnomAD no frequency). This variant has not been reported in the literature in individuals affected with FBN2-related conditions. ClinVar contains an entry for this variant (Variation ID: 1779736). Advanced modeling of protein sequence and biophysical properties (such as structural, functional, and spatial information, amino acid conservation, physicochemical variation, residue mobility, and thermodynamic stability) performed at Invitae indicates that this missense variant is expected to disrupt FBN2 protein function with a positive predictive value of 80%. In summary, the available evidence is currently insufficient to determine the role of this variant in disease. Therefore, it has been classified as a Variant of Uncertain Significance.

Ambry Genetics
Classification: Uncertain significance for Familial thoracic aortic aneurysm and aortic dissection. Last evaluated: 2020-06-26. Review status: criteria provided, single submitter. Criteria: Ambry Variant Classification Scheme 2023. Collection method: clinical testing. Allele origin: germline.
Comment: The p.R590Q variant (also known as c.1769G>A), located in coding exon 13 of the FBN2 gene, results from a G to A substitution at nucleotide position 1769. The arginine at codon 590 is replaced by glutamine, an amino acid with highly similar properties, and is located in the cbEGF-like #05 domain. This amino acid position is highly conserved in available vertebrate species. In addition, this alteration is predicted to be deleterious by in silico analysis. Since supporting evidence is limited at this time, the clinical significance of this alteration remains unclear.

NM_001999.4(FBN2):c.1769G>A (p.Arg590Gln)

Gene: FBN2 (fibrillin 2; minus strand). Cytogenetic location: 5q23.3.
Variant type: single nucleotide variant.
Coding change: c.1769G>A on transcript NM_001999.4 (MANE Select); coding-DNA position 1769, G replaced by A.
Protein change: p.Arg590Gln; replaces arginine 590 with glutamine.
Molecular consequence: missense variant.
Genome position (GRCh38, 1-based): chr5:128,377,832, C>T on the plus strand (G>A on the coding strand, the complement: FBN2 is on the minus strand). VCF-style: chr5-128377832-C-T. GRCh37 (hg19) VCF-style: chr5-127713525-C-T.
Other names: short protein forms R590Q.
Identifiers: ClinVar variation 1779736 (VCV001779736.5), dbSNP rs1752121518, ClinGen allele CA360742576.
Genomic context (GRCh38, chr5:128,377,832, plus strand): 5'-GTAGTTAATTCAAAGCCGGCATTGCAAATGCACTGGAAACTTCCATCTGTGTTCACGCAT[C>T]GACCGTTTTTACAAAGAACCCCATTCTGGATGCACTCATCAATATCTAGGAAGATTGAGA-3'
Protein context (NP_001990.2, residues 580-600): IQNGVLCKNG[Arg590Gln]CVNTDGSFQC